The following continues an entry in ClinVar:

NM_000531.6(OTC):c.119G>A (p.Arg40His)

Gene: OTC. ClinVar aggregate classification (germline): Pathogenic. Pathogenic (1).

Submissions 8 to 18 of 18:

GeneDx
Classification: Pathogenic. Last evaluated: 2024-02-07. Review status: criteria provided, single submitter. Criteria: GeneDx Variant Classification Process June 2021. Collection method: clinical testing. Allele origin: germline. Affected: yes. Not counted in ClinVar's aggregate classification.
Comment: Not observed at significant frequency in large population cohorts (gnomAD); In silico analysis supports that this missense variant has a deleterious effect on protein structure/function; This variant is associated with the following publications: (PMID: 9175746, 34014569, 32995020, 32934962, 7951259, 30449781, 28324312, 31447099, 21070677, 33309754, 33272297, 33763331, 36854409, 19893582, 37146589, 17334707, 11260212, 11768581, 8863155, 11102556, 34014557, 9048915, 25026867)

Victorian Clinical Genetics Services, Murdoch Childrens Research Institute
Classification: Pathogenic for Ornithine carbamoyltransferase deficiency. Last evaluated: 2023-12-21. Review status: criteria provided, single submitter. Criteria: ACMG Guidelines, 2015. Collection method: clinical testing. Allele origin: germline. Inheritance: X-linked recessive inheritance. Affected: yes. Not counted in ClinVar's aggregate classification.
Comment: Based on the classification scheme VCGS_Germline_v1.3.4, this variant is classified as pathogenic. The following criteria are met: 0102 - Loss of function is a known mechanism of disease in this gene and is associated with ornithine transcarbamylase deficiency (MIM#311250). (I) 0109 - This gene is associated with X-linked disease. (I) 0115 - Variants in this gene are known to have variable expressivity. In males, the phenotypic spectrum can range from lethal neonatal onset to milder forms in late childhood or adulthood while in heterozygous females, the phenotypic spectrum can range from asymptomatic to having recurrent hyperammonemia and/or neurologic impairment depending on the pattern of X-chromosome inactivation in the liver (OMIM, GeneReviews). In addition, individuals with pathogenic variants associated with mild, late-onset disease may experience severe hyperammonemia depending on exposure to strong environmental stressors (GeneReviews). (I) 0200 - Variant is predicted to result in a missense amino acid change from arginine to histidine. (I) 0251 - This variant is heterozygous. (I) 0301 - Variant is absent from gnomAD (both v2 and v3). (SP) 0309 - An alternative amino acid change at the same position has been observed in gnomAD (v2) (p.(Arg40Cys): 2 heterozygotes, 1 hemizygote, 0 homozygote). (I) 0504 - Same amino acid change has been observed in placental mammals. (SB) 0600 - Variant is located in the annotated OTCace_N domain (DECIPHER). (I) 0801 - This variant has strong previous evidence of pathogenicity in unrelated individuals. This variant has been classified as pathogenic by multiple clinical diagnostic laboratories (ClinVar). (SP) Legend: (SP) - Supporting pathogenic, (I) - Information, (SB) - Supporting benign

Institute for Clinical Genetics, University Hospital TU Dresden, University Hospital TU Dresden
Classification: Likely pathogenic. Last evaluated: 2023-05-03. Review status: criteria provided, single submitter. Criteria: ACMG Guidelines, 2015. Collection method: clinical testing. Allele origin: germline. Not counted in ClinVar's aggregate classification.
Comment: PS4, PP3, PM2_SUP

Baylor Genetics
Classification: Pathogenic for Ornithine carbamoyltransferase deficiency. Last evaluated: 2023-01-30. Review status: criteria provided, single submitter. Criteria: ACMG Guidelines, 2015. Collection method: clinical testing. Allele origin: unknown. Not counted in ClinVar's aggregate classification.

Mayo Clinic Laboratories, Mayo Clinic
Classification: Pathogenic. Last evaluated: 2022-09-07. Review status: criteria provided, single submitter. Criteria: ACMG Guidelines, 2015. Collection method: clinical testing. Allele origin: germline. Observed: 1 variant allele. Not counted in ClinVar's aggregate classification.
Comment: PP1, PP4, PM2, PM5, PS3

Genome-Nilou Lab
Classification: Pathogenic for Ornithine carbamoyltransferase deficiency. Last evaluated: 2021-11-07. Review status: criteria provided, single submitter. Criteria: ACMG Guidelines, 2015. Collection method: clinical testing. Allele origin: germline. Affected: no. Not counted in ClinVar's aggregate classification.

Eurofins Ntd Llc (ga)
Classification: Pathogenic. Last evaluated: 2017-12-07. Review status: criteria provided, single submitter. Criteria: EGL Classification Definitions 2015. Collection method: clinical testing. Allele origin: germline. Observed: 1 variant allele, 1 hemizygote. Not counted in ClinVar's aggregate classification.

Human Genome Sequencing Center Clinical Lab, Baylor College of Medicine
Classification: Pathogenic for Ornithine carbamoyltransferase deficiency. Last evaluated: 2017-05-25. Review status: criteria provided, single submitter. Criteria: ACMG Guidelines, 2015. Collection method: clinical testing. Allele origin: germline. Not counted in ClinVar's aggregate classification.
Comment: The c.119G>A (p.Arg40His) variant was previously detected in several patients and families with OTC deficiency, males and females [PMID 21070677, 2095337, 7951259]. Their mother, also heterozygous, was asymptomatic but showed small orotic aciduria after protein loading. Another change at the same amino acid location (p.Arg40Cys) has been reported but is considered a variant of unknown significance by our classification criteria at this time. This variant is not conserved in all mammals. Computer based prediction softwares yield discordant results regarding the pathogenicity of this change. This variant has not been observed in the ExAC database but has been detected in multiple patients and it is thus classified as pathogenic.

Counsyl
Classification: Pathogenic for Ornithine carbamoyltransferase deficiency. Last evaluated: 2016-07-15. Review status: no assertion criteria provided. Collection method: clinical testing. Allele origin: unknown. Not counted in ClinVar's aggregate classification.

OMIM
Classification: Pathogenic for ORNITHINE TRANSCARBAMYLASE DEFICIENCY. Last evaluated: 2001-11-01. Review status: no assertion criteria provided. Collection method: literature only. Allele origin: germline. Not counted in ClinVar's aggregate classification.

GenMed Metabolism Lab
Classification: Pathogenic. Review status: no assertion criteria provided. Collection method: not provided. Allele origin: unknown. Not counted in ClinVar's aggregate classification.
Comment: p.Arg40His, Late, CpG dinucleotide, expression studies show normal kinetics and thermal stability, protein degradation in cytosol
ClinVar note: Converted during submission from pathogenic to Pathogenic.

Literature cited by the submitters: PubMed 37146589 (cited by Clingen Urea Cycle Disorders Variant Curation Expert Panel, ClinGen); PubMed 7951259 (cited by 4 submitters); PubMed 19893582 (cited by Labcorp Genetics (formerly Invitae), Labcorp and Victorian Clinical Genetics Services, Murdoch Childrens Research Institute); PubMed 25026867 (cited by 3 submitters); PubMed 11102556 (cited by 5 submitters); PubMed 7860066 (cited by Labcorp Genetics (formerly Invitae), Labcorp and Natera, Inc.); PubMed 23209112 (cited by Labcorp Genetics (formerly Invitae), Labcorp); PubMed 11768581 (cited by 4 submitters); PubMed 21070677 (cited by 3 submitters); PubMed 25958381 (cited by 3 submitters); PubMed 9048915 (cited by 4 submitters); PubMed 33272297 (cited by Natera, Inc.); PubMed 16635166 (cited by 3 submitters); PubMed 11260212 (cited by 3 submitters); PubMed 18030415 (cited by Natera, Inc. and Mayo Clinic Laboratories, Mayo Clinic); PubMed 34014557 (cited by Natera, Inc. and Women's Health and Genetics/Laboratory Corporation of America, LabCorp); PubMed 32934962 (cited by Victorian Clinical Genetics Services, Murdoch Childrens Research Institute); PubMed 34014569 (cited by Mayo Clinic Laboratories, Mayo Clinic); PubMed 34015158 (cited by Mayo Clinic Laboratories, Mayo Clinic); PubMed 8863155 (cited by Mayo Clinic Laboratories, Mayo Clinic); PubMed 17334707 (cited by Counsyl); PubMed 9175746 (cited by Counsyl).